The following is an entry in ClinVar:

NM_001378454.1(ALMS1):c.12G>C (p.Glu4Asp)

Gene: ALMS1 (ALMS1 centrosome and basal body associated protein; plus strand). Cytogenetic location: 2p13.1.
Variant type: single nucleotide variant.
Coding change: c.12G>C on transcript NM_001378454.1 (MANE Select); coding-DNA position 12, G replaced by C.
Protein change: p.Glu4Asp; replaces glutamic acid 4 with aspartic acid.
Molecular consequence: missense variant.
Genome position (GRCh38, 1-based): chr2:73,385,880, G>C. VCF-style: chr2-73385880-G-C. GRCh37 (hg19) VCF-style: chr2-73613008-G-C.
Other names: c.12G>C, p.Glu4Asp (NM_015120.4); short protein forms E4D.
Identifiers: ClinVar variation 1377246 (VCV001377246.4), dbSNP rs1260367236, ClinGen allele CA347250359.
Genomic context (GRCh38, chr2:73,385,880, plus strand): 5'-CCCTCCCCCCCTCCTCCTCCTCCTCTGCCGCCCAGAGCGAGACACCAACATGGAGCCCGA[G>C]GATCTGCCATGGCCGGGCGAGCTGGAGGAGGAGGAGGAGGAGGAGGAGGAGGAGGAGGAG-3'
Protein context (NP_001365383.1, residues 1-14): MEP[Glu4Asp]DLPWPGELEE

ClinVar aggregate classification (germline): Uncertain significance. Review status: criteria provided, multiple submitters, no conflicts (2 of 4 stars). 2 submissions from 2 submitters: Uncertain significance (2). Last evaluated 2022-08-13.

Conditions:
Alstrom syndrome (ALMS). Identifiers: Orphanet 64, MedGen C0268425, MONDO:0008763, OMIM 203800.

Allele frequency attached by ClinVar (database versions not stated): gnomAD 0.00001.
gnomAD v4.1: 5 of 787,546 alleles (0.00063%); highest among the groups gnomAD compares: Non-Finnish European, 0.0011%; no homozygotes.

Submissions (2):

Labcorp Genetics (formerly Invitae), Labcorp
Classification: Uncertain significance for Alstrom syndrome. Last evaluated: 2022-08-13. Review status: criteria provided, single submitter. Criteria: Invitae Variant Classification Sherloc (09022015). Collection method: clinical testing. Allele origin: germline.
Comment: This sequence change replaces glutamic acid, which is acidic and polar, with aspartic acid, which is acidic and polar, at codon 4 of the ALMS1 protein (p.Glu4Asp). This variant is not present in population databases (gnomAD no frequency). This variant has not been reported in the literature in individuals affected with ALMS1-related conditions. ClinVar contains an entry for this variant (Variation ID: 1377246). Experimental studies and prediction algorithms are not available or were not evaluated, and the functional significance of this variant is currently unknown. In summary, the available evidence is currently insufficient to determine the role of this variant in disease. Therefore, it has been classified as a Variant of Uncertain Significance.

Fulgent Genetics
Classification: Uncertain significance for Alstrom syndrome. Last evaluated: 2021-09-08. Review status: criteria provided, single submitter. Criteria: ACMG Guidelines, 2015. Collection method: clinical testing. Allele origin: unknown.